The following is an entry in ClinVar:

NM_024753.5(TTC21B):c.2138+5G>C

Gene: TTC21B (tetratricopeptide repeat domain 21B; minus strand). Cytogenetic location: 2q24.3.
Variant type: single nucleotide variant.
Coding change: c.2138+5G>C on transcript NM_024753.5 (MANE Select); 5 bases into the intron after coding-DNA position 2138, G replaced by C.
Molecular consequence: intron variant.
Genome position (GRCh38, 1-based): chr2:165,915,196, C>G on the plus strand (G>C on the coding strand, the complement: TTC21B is on the minus strand). VCF-style: chr2-165915196-C-G. GRCh37 (hg19) VCF-style: chr2-166771706-C-G.
Identifiers: ClinVar variation 1525696 (VCV001525696.6), dbSNP rs1574099823, ClinGen allele CA2573133477.

ClinVar aggregate classification (germline): Uncertain significance (1 of 4 stars; one submission).

Conditions:
Nephronophthisis. Also called: Juvenile Nephronophthisis. Identifiers: Orphanet 655, MedGen C0687120, MONDO:0019005, HP:0000090.
Jeune thoracic dystrophy. Also called: Jeune syndrome; Infantile thoracic dystrophy; Thoracic pelvic phalangeal dystrophy; Jeune's syndrome; Chondroectodermal dysplasia-like syndrome; Short-rib thoracic dysplasia. Identifiers: Orphanet 474, MedGen C0265275, MONDO:0018770.

Submission:

Labcorp Genetics (formerly Invitae), Labcorp
Classification: Uncertain significance for Jeune thoracic dystrophy; Nephronophthisis. Last evaluated: 2024-05-06. Review status: criteria provided, single submitter. Criteria: Invitae Variant Classification Sherloc (09022015). Collection method: clinical testing. Allele origin: germline.
Comment: This sequence change falls in intron 15 of the TTC21B gene. It does not directly change the encoded amino acid sequence of the TTC21B protein. It affects a nucleotide within the consensus splice site. This variant is not present in population databases (gnomAD no frequency). This variant has not been reported in the literature in individuals affected with TTC21B-related conditions. ClinVar contains an entry for this variant (Variation ID: 1525696). Variants that disrupt the consensus splice site are a relatively common cause of aberrant splicing (PMID: 17576681, 9536098). Algorithms developed to predict the effect of sequence changes on RNA splicing suggest that this variant may disrupt the consensus splice site. In summary, the available evidence is currently insufficient to determine the role of this variant in disease. Therefore, it has been classified as a Variant of Uncertain Significance.

Literature cited by the submitters: PubMed 17576681; PubMed 9536098.